The following is an entry in ClinVar:

ClinVar aggregate classification (germline): Uncertain significance. Review status: criteria provided, multiple submitters, no conflicts (2 of 4 stars). 4 submissions from 4 submitters: Uncertain significance (4). Last evaluated 2025-11-05.

Conditions:
Inborn genetic diseases. Identifiers: MedGen C0950123, MeSH D030342.
Spinocerebellar ataxia type 42. Identifiers: Orphanet 458803, MedGen C4225205, MONDO:0014776, OMIM 616795.

gnomAD v4.1: 22 of 1,557,886 alleles (0.0014%); highest among the groups gnomAD compares: Non-Finnish European, 0.0019%; no homozygotes.

Submissions (4):

Ambry Genetics
Classification: Uncertain significance for Inborn genetic diseases. Last evaluated: 2025-11-05. Review status: criteria provided, single submitter. Criteria: Ambry Variant Classification Scheme 2023. Collection method: clinical testing. Allele origin: germline.

Institute of Human Genetics, University of Goettingen
Classification: Uncertain significance for Spinocerebellar ataxia type 42. Last evaluated: 2023-06-06. Review status: criteria provided, single submitter. Criteria: ACMG Guidelines, 2015. Collection method: clinical testing. Allele origin: unknown. Inheritance: Sporadic. Affected: yes.

Labcorp Genetics (formerly Invitae), Labcorp
Classification: Uncertain significance. Last evaluated: 2023-02-19. Review status: criteria provided, single submitter. Criteria: Invitae Variant Classification Sherloc (09022015). Collection method: clinical testing. Allele origin: germline.
Comment: This sequence change replaces histidine, which is basic and polar, with tyrosine, which is neutral and polar, at codon 501 of the CACNA1G protein (p.His501Tyr). The frequency data for this variant in the population databases is considered unreliable, as metrics indicate poor data quality at this position in the gnomAD database. In summary, the available evidence is currently insufficient to determine the role of this variant in disease. Therefore, it has been classified as a Variant of Uncertain Significance. Advanced modeling of protein sequence and biophysical properties (such as structural, functional, and spatial information, amino acid conservation, physicochemical variation, residue mobility, and thermodynamic stability) has been performed at Invitae for this missense variant, however the output from this modeling did not meet the statistical confidence thresholds required to predict the impact of this variant on CACNA1G protein function. ClinVar contains an entry for this variant (Variation ID: 1191307). This variant has not been reported in the literature in individuals affected with CACNA1G-related conditions.

GeneDx
Classification: Uncertain significance. Last evaluated: 2020-12-04. Review status: criteria provided, single submitter. Criteria: GeneDx Variant Classification Process June 2021. Collection method: clinical testing. Allele origin: germline. Affected: yes.
Comment: Not observed at a significant frequency in large population cohorts (Lek et al., 2016); In silico analysis, which includes protein predictors and evolutionary conservation, supports a deleterious effect; Has not been previously published as pathogenic or benign to our knowledge

NM_018896.5(CACNA1G):c.1501C>T (p.His501Tyr)

Gene: CACNA1G (calcium voltage-gated channel subunit alpha1 G; plus strand). Cytogenetic location: 17q21.33.
Variant type: single nucleotide variant.
Coding change: c.1501C>T on transcript NM_018896.5 (MANE Select); coding-DNA position 1501, C replaced by T.
Protein change: p.His501Tyr; replaces histidine 501 with tyrosine.
Molecular consequence: missense variant. On other transcripts: non-coding transcript variant (5).
Genome position (GRCh38, 1-based): chr17:50,575,903, C>T. VCF-style: chr17-50575903-C-T. GRCh37 (hg19) VCF-style: chr17-48653264-C-T.
Other names: c.1501C>T, p.His501Tyr (NM_001256324.2, NM_001256325.2, NM_001256326.2 and 24 more transcripts); c.1501C>T (NM_018896.3); short protein forms H501Y.
Identifiers: ClinVar variation 1191307 (VCV001191307.10), dbSNP rs750741896, ClinGen allele CA400237658.